The following is an entry in ClinVar:

NM_004738.5(VAPB):c.656G>T (p.Gly219Val)

Gene: VAPB (VAMP associated protein B and C; plus strand). Cytogenetic location: 20q13.32.
Variant type: single nucleotide variant.
Coding change: c.656G>T on transcript NM_004738.5 (MANE Select); coding-DNA position 656, G replaced by T.
Protein change: p.Gly219Val; replaces glycine 219 with valine.
Molecular consequence: missense variant. On other transcripts: non-coding transcript variant (1).
Genome position (GRCh38, 1-based): chr20:58,444,159, G>T. VCF-style: chr20-58444159-G-T. GRCh37 (hg19) VCF-style: chr20-57019215-G-T.
Other names: c.294G>T, p.Arg98Ser (NM_001195677.2); short protein forms G219V, R98S.
Identifiers: ClinVar variation 191163 (VCV000191163.31), dbSNP rs786205553, ClinGen allele CA236153.
Genomic context (GRCh38, chr20:58,444,159, plus strand): 5'-GGAAGACAGTGCAGAGCAACAGCCCCATTTCAGCATTAGCCCCAACTGGGAAGGAAGAAG[G>T]CCTTAGCACCCGGCTCTTGGCTCTGGTGGTTTTGTTCTTTATCGTTGGTGTAATTATTGG-3'
Protein context (NP_004729.1, residues 209-229): SALAPTGKEE[Gly219Val]LSTRLLALVV

ClinVar aggregate classification (germline): Conflicting classifications of pathogenicity. Review status: criteria provided, conflicting classifications (1 of 4 stars). 6 submissions from 6 submitters: Uncertain significance (5); Likely benign (1). Last evaluated 2026-04-01.

Conditions:
VAPB-related disorder. Also called: VAPB-related condition.
Adult-onset proximal spinal muscular atrophy, autosomal dominant. Also called: FINKEL LATE-ADULT TYPE SMA; Spinal muscular atrophy, late-onset, finkel type. Identifiers: Orphanet 209335, MedGen C1854058, MONDO:0008453, OMIM 182980.
Amyotrophic lateral sclerosis type 8 (ALS8). Identifiers: Orphanet 803, MedGen C1837728, MONDO:0012077, OMIM 608627.

gnomAD v4.1: 17 of 1,614,226 alleles (0.0011%); highest among the groups gnomAD compares: Middle Eastern, 0.12%; no homozygotes.

Submissions (6):

PreventionGenetics, part of Exact Sciences
Classification: Uncertain significance for VAPB-related condition. Last evaluated: 2026-04-01. Review status: criteria provided, single submitter. Criteria: ACMG Guidelines, 2015. Collection method: clinical testing. Allele origin: germline.
Comment: The VAPB c.656G>T variant is predicted to result in the amino acid substitution p.Gly219Val. To our knowledge, this variant has not been reported in the literature. This variant is reported in 0.00088% of alleles in individuals of European (Non-Finnish) descent in gnomAD. At this time, the clinical significance of this variant is uncertain due to the absence of conclusive functional and genetic evidence.

Labcorp Genetics (formerly Invitae), Labcorp
Classification: Uncertain significance for Adult-onset proximal spinal muscular atrophy, autosomal dominant; Amyotrophic lateral sclerosis type 8. Last evaluated: 2023-03-11. Review status: criteria provided, single submitter. Criteria: Invitae Variant Classification Sherloc (09022015). Collection method: clinical testing. Allele origin: germline.
Comment: In summary, the available evidence is currently insufficient to determine the role of this variant in disease. Therefore, it has been classified as a Variant of Uncertain Significance. This variant is present in population databases (rs786205553, gnomAD 0.0009%). This sequence change replaces glycine, which is neutral and non-polar, with valine, which is neutral and non-polar, at codon 219 of the VAPB protein (p.Gly219Val). This variant has not been reported in the literature in individuals affected with VAPB-related conditions. ClinVar contains an entry for this variant (Variation ID: 191163). Advanced modeling of protein sequence and biophysical properties (such as structural, functional, and spatial information, amino acid conservation, physicochemical variation, residue mobility, and thermodynamic stability) performed at Invitae indicates that this missense variant is not expected to disrupt VAPB protein function.

CeGaT Center for Human Genetics Tuebingen
Classification: Uncertain significance. Last evaluated: 2022-03-01. Review status: criteria provided, single submitter. Criteria: CeGaT Center For Human Genetics Tuebingen Variant Classification Criteria Version 2. Collection method: clinical testing. Allele origin: germline. Affected: yes. Observed: 1 variant allele.

Center for Pediatric Genomic Medicine, Children's Mercy Hospital and Clinics
Classification: Uncertain significance. Last evaluated: 2017-06-26. Review status: criteria provided, single submitter. Criteria: ACMG Guidelines, 2015. Collection method: clinical testing. Allele origin: germline.

Genomic Medicine Center of Excellence, King Faisal Specialist Hospital and Research Centre
Classification: Likely benign. Last evaluated: 2016-09-28. Review status: criteria provided, single submitter. Criteria: ACMG Guidelines, 2015. Collection method: research. Allele origin: germline. Affected: yes.

Breakthrough Genomics
Classification: Uncertain significance. Review status: criteria provided, single submitter. Criteria: ACMG Guidelines, 2015. Collection method: not provided. Allele origin: germline. Inheritance: Autosomal dominant inheritance. Affected: yes.